The following is an entry in ClinVar:

ClinVar aggregate classification (germline): Uncertain significance (1 of 4 stars; one submission).

Conditions:
Hereditary spastic paraplegia 49 (HSAN9). Also called: TECPR2-Related Hereditary Sensory and Autonomic Neuropathy with Intellectual Disability; NEUROPATHY, HEREDITARY SENSORY AND AUTONOMIC, TYPE IX, WITH DEVELOPMENTAL DELAY; Spastic paraplegia 49, autosomal recessive. Identifiers: Orphanet 320385, MedGen C5190860, MONDO:0014016, OMIM 615031.

Allele frequency attached by ClinVar (database versions not stated): gnomAD exomes 0.00002; gnomAD 0.00003; TOPMed 0.00006; 1000 Genomes Project 0.00020; 1000 Genomes Project 30x 0.00031; ExAC 0.00001.
gnomAD v4.1: 38 of 1,611,756 alleles (0.0024%); highest among the groups gnomAD compares: Admixed American, 0.01%; no homozygotes.

Submission:

Labcorp Genetics (formerly Invitae), Labcorp
Classification: Uncertain significance for Hereditary spastic paraplegia 49. Last evaluated: 2020-08-08. Review status: criteria provided, single submitter. Criteria: Invitae Variant Classification Sherloc (09022015). Collection method: clinical testing. Allele origin: germline.
Comment: This sequence change falls in intron 11 of the TECPR2 gene. It does not directly change the encoded amino acid sequence of the TECPR2 protein, but it affects a nucleotide within the consensus splice site of the intron. This variant is present in population databases (rs201212775, ExAC 0.009%). This variant has not been reported in the literature in individuals with TECPR2-related conditions. Nucleotide substitutions within the consensus splice site are a relatively common cause of aberrant splicing (PMID: 17576681, 9536098). Algorithms developed to predict the effect of sequence changes on RNA splicing suggest that this variant is not likely to affect RNA splicing, but this prediction has not been confirmed by published transcriptional studies. In summary, the available evidence is currently insufficient to determine the role of this variant in disease. Therefore, it has been classified as a Variant of Uncertain Significance.

Literature cited by the submitters: PubMed 17576681; PubMed 9536098.

NM_014844.5(TECPR2):c.2752+6C>T

Gene: TECPR2 (tectonin beta-propeller repeat containing 2; plus strand). Cytogenetic location: 14q32.31.
Variant type: single nucleotide variant.
Coding change: c.2752+6C>T on transcript NM_014844.5 (MANE Select); 6 bases into the intron after coding-DNA position 2752, C replaced by T.
Molecular consequence: intron variant.
Genome position (GRCh38, 1-based): chr14:102,440,615, C>T. VCF-style: chr14-102440615-C-T. GRCh37 (hg19) VCF-style: chr14-102906952-C-T.
Other names: c.2752+6C>T (NM_001172631.3).
Identifiers: ClinVar variation 1948101 (VCV001948101.2), dbSNP rs201212775, ClinGen allele CA7358023.